The following is an entry in ClinVar:

ClinVar aggregate classification (germline): Uncertain significance (1 of 4 stars; one submission).

Conditions:
Neuroblastoma, susceptibility to, 3. Also called: ALK-Related Neuroblastic Tumor Susceptibility. Identifiers: Orphanet 635, MedGen C2751681, MONDO:0013083, OMIM 613014.

Submission:

Labcorp Genetics (formerly Invitae), Labcorp
Classification: Uncertain significance for Neuroblastoma, susceptibility to, 3. Last evaluated: 2023-01-17. Review status: criteria provided, single submitter. Criteria: Invitae Variant Classification Sherloc (09022015). Collection method: clinical testing. Allele origin: germline.
Comment: In summary, the available evidence is currently insufficient to determine the role of this variant in disease. Therefore, it has been classified as a Variant of Uncertain Significance. Algorithms developed to predict the effect of missense changes on protein structure and function output the following: SIFT: "Deleterious"; PolyPhen-2: "Benign"; Align-GVGD: "Class C0". The threonine amino acid residue is found in multiple mammalian species, which suggests that this missense change does not adversely affect protein function. This variant has not been reported in the literature in individuals affected with ALK-related conditions. This variant is not present in population databases (gnomAD no frequency). This sequence change replaces serine, which is neutral and polar, with threonine, which is neutral and polar, at codon 171 of the ALK protein (p.Ser171Thr).

NM_004304.5(ALK):c.512G>C (p.Ser171Thr)

Gene: ALK (ALK receptor tyrosine kinase; minus strand). Cytogenetic location: 2p23.1.
Variant type: single nucleotide variant.
Coding change: c.512G>C on transcript NM_004304.5 (MANE Select); coding-DNA position 512, G replaced by C.
Protein change: p.Ser171Thr; replaces serine 171 with threonine.
Molecular consequence: missense variant.
Genome position (GRCh38, 1-based): chr2:29,920,148, C>G on the plus strand (G>C on the coding strand, the complement: ALK is on the minus strand). VCF-style: chr2-29920148-C-G. GRCh37 (hg19) VCF-style: chr2-30143014-C-G.
Other names: short protein forms S171T.
Identifiers: ClinVar variation 2829673 (VCV002829673.3), dbSNP rs753403262, ClinGen allele CA346589904.